The following is an entry in ClinVar:

ClinVar aggregate classification (germline): Uncertain significance (1 of 4 stars; one submission).

Allele frequency attached by ClinVar (database versions not stated): gnomAD exomes below 0.00001; TOPMed below 0.00001; gnomAD 0.00001.
gnomAD v4.1: 2 of 1,610,294 alleles (0.00012%); highest among the groups gnomAD compares: Non-Finnish European, 0.00017%; no homozygotes.

Submission:

Labcorp Genetics (formerly Invitae), Labcorp
Classification: Uncertain significance. Last evaluated: 2022-10-26. Review status: criteria provided, single submitter. Criteria: Invitae Variant Classification Sherloc (09022015). Collection method: clinical testing. Allele origin: germline.
Comment: This sequence change falls in intron 2 of the COL11A1 gene. It does not directly change the encoded amino acid sequence of the COL11A1 protein. It affects a nucleotide within the consensus splice site. This variant is not present in population databases (gnomAD no frequency). This variant has not been reported in the literature in individuals affected with COL11A1-related conditions. Variants that disrupt the consensus splice site are a relatively common cause of aberrant splicing (PMID: 17576681, 9536098). Algorithms developed to predict the effect of sequence changes on RNA splicing suggest that this variant may create or strengthen a splice site. In summary, the available evidence is currently insufficient to determine the role of this variant in disease. Therefore, it has been classified as a Variant of Uncertain Significance.

Literature cited by the submitters: PubMed 17576681; PubMed 9536098.

NM_001854.4(COL11A1):c.274+3A>G

Gene: COL11A1 (collagen type XI alpha 1 chain; minus strand). Cytogenetic location: 1p21.1.
Variant type: single nucleotide variant.
Coding change: c.274+3A>G on transcript NM_001854.4 (MANE Select); 3 bases into the intron after coding-DNA position 274, A replaced by G.
Molecular consequence: intron variant.
Genome position (GRCh38, 1-based): chr1:103,082,802, T>C on the plus strand (A>G on the coding strand, the complement: COL11A1 is on the minus strand). VCF-style: chr1-103082802-T-C. GRCh37 (hg19) VCF-style: chr1-103548358-T-C.
Other names: c.274+3A>G (NM_001190709.2, NM_080629.3, NM_080630.4).
Identifiers: ClinVar variation 1960576 (VCV001960576.5), dbSNP rs1350021383, ClinGen allele CA884769563.